The following is an entry in ClinVar:

NM_001267550.2(TTN):c.19264G>A (p.Gly6422Arg)

Gene: TTN (titin; minus strand). Cytogenetic location: 2q31.2.
Variant type: single nucleotide variant.
Coding change: c.19264G>A on transcript NM_001267550.2 (MANE Select); coding-DNA position 19264, G replaced by A.
Protein change: p.Gly6422Arg; replaces glycine 6422 with arginine.
Molecular consequence: missense variant. On other transcripts: intron variant (3).
Genome position (GRCh38, 1-based): chr2:178,728,662, C>T on the plus strand (G>A on the coding strand, the complement: TTN is on the minus strand). VCF-style: chr2-178728662-C-T. GRCh37 (hg19) VCF-style: chr2-179593389-C-T.
Other names: p.Gly6105Arg; c.18313G>A, p.Gly6105Arg (NM_001256850.1); c.15532G>A, p.Gly5178Arg (NM_133378.4); c.13282+9420G>A (NM_003319.4); c.13858+9420G>A (NM_133437.4); c.13657+9420G>A (NM_133432.3); short protein forms G5178R, G6105R, G6422R.
Identifiers: ClinVar variation 2682788 (VCV002682788.4), dbSNP rs774524508, ClinGen allele CA2001435.

ClinVar aggregate classification (germline): Conflicting classifications of pathogenicity. Review status: criteria provided, conflicting classifications (1 of 4 stars). 4 submissions from 4 submitters: Uncertain significance (2); Likely benign (2). Last evaluated 2025-04-09.

Allele frequency attached by ClinVar (database versions not stated): gnomAD 0.00001; gnomAD exomes 0.00002; ExAC 0.00003.
gnomAD v4.1: 38 of 1,613,162 alleles (0.0024%); highest among the groups gnomAD compares: African/African-American, 0.0027%; no homozygotes.

Submissions (4):

Molecular Diagnostic Laboratory for Inherited Cardiovascular Disease, Montreal Heart Institute
Classification: Likely benign. Last evaluated: 2025-04-09. Review status: criteria provided, single submitter. Criteria: ACMG Guidelines, 2015. Collection method: clinical testing. Allele origin: germline. Affected: no.
Comment: BP1

Revvity Omics, Revvity
Classification: Uncertain significance. Last evaluated: 2024-12-10. Review status: criteria provided, single submitter. Criteria: ACMG Guidelines, 2015. Collection method: clinical testing. Allele origin: germline.

Mayo Clinic Laboratories, Mayo Clinic
Classification: Uncertain significance. Last evaluated: 2022-06-02. Review status: criteria provided, single submitter. Criteria: ACMG Guidelines, 2015. Collection method: clinical testing. Allele origin: germline. Observed: 1 variant allele.

Blueprint Genetics
Classification: Likely benign. Last evaluated: 2021-09-09. Review status: criteria provided, single submitter. Criteria: ACMG Guidelines, 2015. Collection method: clinical testing. Allele origin: germline.

Literature cited by the submitters: PubMed 30847666 (cited by Mayo Clinic Laboratories, Mayo Clinic).